The following is an entry in ClinVar:

NM_006904.7(PRKDC):c.10772A>G (p.Asp3591Gly)

Gene: PRKDC (protein kinase, DNA-activated, catalytic subunit; minus strand). Cytogenetic location: 8q11.21.
Variant type: single nucleotide variant.
Coding change: c.10772A>G on transcript NM_006904.7 (MANE Select); coding-DNA position 10772, A replaced by G.
Protein change: p.Asp3591Gly; replaces aspartic acid 3591 with glycine.
Molecular consequence: missense variant.
Genome position (GRCh38, 1-based): chr8:47,789,036, T>C on the plus strand (A>G on the coding strand, the complement: PRKDC is on the minus strand). VCF-style: chr8-47789036-T-C. GRCh37 (hg19) VCF-style: chr8-48701597-T-C.
Other names: c.10772A>G, p.Asp3591Gly (NM_001081640.2); short protein forms D3591G.
Identifiers: ClinVar variation 4759996 (VCV004759996.1).
Genomic context (GRCh38, chr8:47,789,036, plus strand): 5'-TCATACATTTTTTCAATGTTTTTTTTATTTACAGGGGTTTTTGCTAGTTCAGCTCTTACA[T>C]CATTGCTCCAATCCTGTCAGGGGAAAAAAAAAGTAAGAAAAAAATCAAGCTAGATTGCAA-3'
Protein context (NP_008835.5, residues 3581-3601): PELLFKDWSN[Asp3591Gly]VRAELAKTPV

ClinVar aggregate classification (germline): Uncertain significance (1 of 4 stars; one submission).

Conditions:
Severe combined immunodeficiency due to DNA-PKcs deficiency. Also called: IMMUNODEFICIENCY 26 WITH NEUROLOGIC ABNORMALITIES; Immunodeficiency 26 with or without neurologic abnormalities. Identifiers: Orphanet 317425, MedGen C4014833, MONDO:0014423, OMIM 615966.

gnomAD v4.1: 1 of 1,612,532 alleles (0.000062%); highest among the groups gnomAD compares: South Asian, 0.0011%; no homozygotes.

Submission:

Labcorp Genetics (formerly Invitae), Labcorp
Classification: Uncertain significance for Severe combined immunodeficiency due to DNA-PKcs deficiency. Last evaluated: 2025-04-30. Review status: criteria provided, single submitter. Criteria: Invitae Variant Classification Sherloc (09022015). Collection method: clinical testing. Allele origin: germline.
Comment: This sequence change replaces aspartic acid, which is acidic and polar, with glycine, which is neutral and non-polar, at codon 3591 of the PRKDC protein (p.Asp3591Gly). This variant is not present in population databases (gnomAD no frequency). This variant has not been reported in the literature in individuals affected with PRKDC-related conditions. Invitae Evidence Modeling of protein sequence and biophysical properties (such as structural, functional, and spatial information, amino acid conservation, physicochemical variation, residue mobility, and thermodynamic stability) indicates that this missense variant is not expected to disrupt PRKDC protein function with a negative predictive value of 80%. In summary, the available evidence is currently insufficient to determine the role of this variant in disease. Therefore, it has been classified as a Variant of Uncertain Significance.